The following is an entry in ClinVar:

ClinVar aggregate classification (germline): Uncertain significance (1 of 4 stars; one submission).

Conditions:
Intellectual disability, autosomal recessive 53 (NEDHSCA). Also called: GLYCOSYLPHOSPHATIDYLINOSITOL BIOSYNTHESIS DEFECT 13; Mental retardation, autosomal recessive 53; NEURODEVELOPMENTAL DISORDER WITH OR WITHOUT HYPOTONIA, SEIZURES, AND CEREBELLAR ATROPHY. Identifiers: Orphanet 488635, MedGen C4310794, MONDO:0014832, OMIM 616917.

Allele frequency attached by ClinVar (database versions not stated): gnomAD exomes below 0.00001.

Submission:

Labcorp Genetics (formerly Invitae), Labcorp
Classification: Uncertain significance for Intellectual disability, autosomal recessive 53. Last evaluated: 2022-02-28. Review status: criteria provided, single submitter. Criteria: Invitae Variant Classification Sherloc (09022015). Collection method: clinical testing. Allele origin: germline.
Comment: This sequence change replaces arginine, which is basic and polar, with lysine, which is basic and polar, at codon 197 of the PIGG protein (p.Arg197Lys). This variant is present in population databases (no rsID available, gnomAD 0.003%). This variant has not been reported in the literature in individuals affected with PIGG-related conditions. Algorithms developed to predict the effect of missense changes on protein structure and function are either unavailable or do not agree on the potential impact of this missense change (SIFT: "Tolerated"; PolyPhen-2: "Probably Damaging"; Align-GVGD: "Class C0"). In summary, the available evidence is currently insufficient to determine the role of this variant in disease. Therefore, it has been classified as a Variant of Uncertain Significance.

NM_001127178.3(PIGG):c.590G>A (p.Arg197Lys)

Gene: PIGG (phosphatidylinositol glycan anchor biosynthesis class G (EMM blood group); plus strand). Cytogenetic location: 4p16.3.
Variant type: single nucleotide variant.
Coding change: c.590G>A on transcript NM_001127178.3 (MANE Select); coding-DNA position 590, G replaced by A.
Protein change: p.Arg197Lys; replaces arginine 197 with lysine.
Molecular consequence: missense variant. On other transcripts: 5 prime UTR variant (4), non-coding transcript variant (10), intron variant (1).
Genome position (GRCh38, 1-based): chr4:507,424, G>A. VCF-style: chr4-507424-G-A. GRCh37 (hg19) VCF-style: chr4-501213-G-A.
Other names: c.323G>A, p.Arg108Lys (NM_001289051.2, NM_001289053.2, NM_001289057.2 and 2 more transcripts); c.224G>A, p.Arg75Lys (NM_001289055.2); c.-298G>A (NM_001345988.2); c.590G>A, p.Arg197Lys (NM_001345989.2, NM_017733.5); c.-1036G>A (NM_001345990.2); c.-898G>A (NM_001345991.2); c.-623G>A (NM_001345994.2); c.361-1405G>A (NM_001289052.2); short protein forms R108K, R197K, R75K.
Identifiers: ClinVar variation 1997955 (VCV001997955.1), dbSNP rs1553880133, ClinGen allele CA355896673.
Genomic context (GRCh38, chr4:507,424, plus strand): 5'-AAATTAGGTGAGTTGTTTATACGTGTGTTTCCCCTTCAAAGGTGGATAATAATGTCACGA[G>A]GCATTTGGATAAAGTATTAAAAAGAGGAGATTGGGACATATTAATCCTCCACTACCTGGG-3'
Protein context (NP_001120650.1, residues 187-207): DYTEVDNNVT[Arg197Lys]HLDKVLKRGD